The following is an entry in ClinVar:

NM_000051.4(ATM):c.2820A>T (p.Lys940Asn)

Gene: ATM (ATM serine/threonine kinase; plus strand). Cytogenetic location: 11q22.3.
Variant type: single nucleotide variant.
Coding change: c.2820A>T on transcript NM_000051.4 (MANE Select); coding-DNA position 2820, A replaced by T.
Protein change: p.Lys940Asn; replaces lysine 940 with asparagine.
Molecular consequence: missense variant.
Genome position (GRCh38, 1-based): chr11:108,268,591, A>T. VCF-style: chr11-108268591-A-T. GRCh37 (hg19) VCF-style: chr11-108139318-A-T.
Other names: c.2820A>T, p.Lys940Asn (NM_001351834.2); short protein forms K940N.
Identifiers: ClinVar variation 2816234 (VCV002816234.3), dbSNP rs1477142492, ClinGen allele CA382545779.
Genomic context (GRCh38, chr11:108,268,591, plus strand): 5'-AGCTGATATTCGGAGGAAATTGTTAATGTTAATTGATTCTAGCACGCTAGAACCTACCAA[A>T]TCCCTCCACCTGCATATGGTGAGTTACGTTAAATGAAGAAGCTCTTGGATTTTATCTGAT-3'
Protein context (NP_000042.3, residues 930-950): LIDSSTLEPT[Lys940Asn]SLHLHMYLML

ClinVar aggregate classification (germline): Uncertain significance (1 of 4 stars; one submission).

Conditions:
Ataxia-telangiectasia syndrome (AT). Also called: ATAXIA-TELANGIECTASIA, COMPLEMENTATION GROUP A; Ataxia telangiectasia (A-T); Cerebello-oculocutaneous telangiectasia; Immunodeficiency with ataxia telangiectasia; LOUIS-BAR SYNDROME; ATAXIA-TELANGIECTASIA, FRESNO VARIANT. Identifiers: Orphanet 100, MedGen C0004135, MONDO:0008840, OMIM 208900.

Submission:

Labcorp Genetics (formerly Invitae), Labcorp
Classification: Uncertain significance for Ataxia-telangiectasia syndrome. Last evaluated: 2022-11-24. Review status: criteria provided, single submitter. Criteria: Invitae Variant Classification Sherloc (09022015). Collection method: clinical testing. Allele origin: germline.
Comment: In summary, the available evidence is currently insufficient to determine the role of this variant in disease. Therefore, it has been classified as a Variant of Uncertain Significance. This sequence change replaces lysine, which is basic and polar, with asparagine, which is neutral and polar, at codon 940 of the ATM protein (p.Lys940Asn). This variant is not present in population databases (gnomAD no frequency). This variant has not been reported in the literature in individuals affected with ATM-related conditions. Algorithms developed to predict the effect of missense changes on protein structure and function are either unavailable or do not agree on the potential impact of this missense change (SIFT: "Tolerated"; PolyPhen-2: "Possibly Damaging"; Align-GVGD: "Class C0").